The following is an entry in ClinVar:

NM_007294.4(BRCA1):c.2959A>G (p.Lys987Glu)

Gene: BRCA1 (BRCA1 DNA repair associated; minus strand). Cytogenetic location: 17q21.31.
Variant type: single nucleotide variant.
Coding change: c.2959A>G on transcript NM_007294.4 (MANE Select); coding-DNA position 2959, A replaced by G.
Protein change: p.Lys987Glu; replaces lysine 987 with glutamic acid.
Molecular consequence: missense variant. On other transcripts: intron variant (137).
Genome position (GRCh38, 1-based): chr17:43,092,572, T>C on the plus strand (A>G on the coding strand, the complement: BRCA1 is on the minus strand). VCF-style: chr17-43092572-T-C. GRCh37 (hg19) VCF-style: chr17-41244589-T-C.
Other names: c.2959A>G, p.Lys987Glu (NM_001407625.1, NM_001407626.1, NM_001407652.1 and 30 more transcripts); c.2956A>G, p.Lys986Glu (NM_001407627.1, NM_001407628.1, NM_001407629.1 and 22 more transcripts); c.2950A>G, p.Lys984Glu (NM_001407646.1, NM_001407647.1); c.2836A>G, p.Lys946Glu (NM_001407648.1, NM_001407666.1, NM_001407667.1 and 19 more transcripts); c.2833A>G, p.Lys945Glu (NM_001407649.1, NM_001407670.1, NM_001407671.1 and 11 more transcripts); c.2881A>G, p.Lys961Glu (NM_001407653.1, NM_001407654.1, NM_001407655.1 and 4 more transcripts); c.2818A>G, p.Lys940Glu (NM_001407692.1, NM_001407694.1, NM_001407730.1 and 29 more transcripts); c.2815A>G, p.Lys939Glu (NM_001407749.1, NM_001407838.1, NM_001407839.1 and 20 more transcripts); and 41 more; short protein forms K987E, K940E, K819E, K898E, K919E, K946E, K960E, K859E.
Identifiers: ClinVar variation 240784 (VCV000240784.21), dbSNP rs878854941, ClinGen allele CA10583570.
Genomic context (GRCh38, chr17:43,092,572, plus strand): 5'-AATGTTCCTCAAAGTTTTCCTCTAGCAGATTTTTCTTACATTTAGTTTTAACAAATGACT[T>C]GATGGGAAAAAGTGGTGGTATACGATATGGGTTTTGTAAAAGTCCATGTTTATTTGGAGT-3'
Protein context (NP_009225.1, residues 977-997): PYRIPPLFPI[Lys987Glu]SFVKTKCKKN

ClinVar aggregate classification (germline): Conflicting classifications of pathogenicity. Review status: criteria provided, conflicting classifications (1 of 4 stars). 6 submissions from 6 submitters: Uncertain significance (5); Likely benign (1). Last evaluated 2024-09-08.

Conditions:
Hereditary cancer-predisposing syndrome. Also called: Hereditary Cancer Syndrome; Neoplastic Syndromes, Hereditary; Hereditary neoplastic syndrome; Tumor predisposition. Identifiers: Orphanet 140162, MedGen C0027672, MeSH D009386, MONDO:0015356.
Hereditary breast ovarian cancer syndrome. Also called: Hereditary breast and ovarian cancer syndrome (HBOC); Breast and ovarian cancer; Hereditary breast and ovarian cancer syndrome; Hereditary breast and ovarian cancer; BRCA1- and BRCA2-Associated Hereditary Breast and Ovarian Cancer; Hereditary breast and/or ovarian cancer syndrome. Identifiers: Orphanet 145, MedGen C0677776, MeSH D061325, MONDO:0003582. Disease mechanism: loss of function.
Breast-ovarian cancer, familial, susceptibility to, 1 (BROVCA1). Also called: BRCA1 Hereditary Breast and Ovarian Cancer; OVARIAN CANCER, SUSCEPTIBILITY TO. Identifiers: Orphanet 145, MedGen C2676676, MONDO:0011450, OMIM 604370. Disease mechanism: loss of function.

Submissions (6):

Labcorp Genetics (formerly Invitae), Labcorp
Classification: Uncertain significance for Hereditary breast ovarian cancer syndrome. Last evaluated: 2024-09-08. Review status: criteria provided, single submitter. Criteria: Invitae Variant Classification Sherloc (09022015). Collection method: clinical testing. Allele origin: germline.
Comment: This sequence change replaces lysine, which is basic and polar, with glutamic acid, which is acidic and polar, at codon 987 of the BRCA1 protein (p.Lys987Glu). This variant is not present in population databases (gnomAD no frequency). This variant has not been reported in the literature in individuals affected with BRCA1-related conditions. ClinVar contains an entry for this variant (Variation ID: 240784). Invitae Evidence Modeling of protein sequence and biophysical properties (such as structural, functional, and spatial information, amino acid conservation, physicochemical variation, residue mobility, and thermodynamic stability) indicates that this missense variant is not expected to disrupt BRCA1 protein function with a negative predictive value of 95%. In summary, the available evidence is currently insufficient to determine the role of this variant in disease. Therefore, it has been classified as a Variant of Uncertain Significance.

All of Us Research Program, National Institutes of Health
Classification: Uncertain significance for Breast-ovarian cancer, familial, susceptibility to, 1. Last evaluated: 2023-12-01. Review status: criteria provided, single submitter. Criteria: ACMG Guidelines, 2015. Collection method: clinical testing. Allele origin: germline. Inheritance: Autosomal dominant inheritance. Observed: 1 variant allele, 1 heterozygote.
Comment: This study involves interpretation of variants in research participants for the purpose of population health screening. Participant phenotype was not available at the time of variant classification. Additional details can be found in publication PMID: 35346344, PMCID: PMC8962531

Ambry Genetics
Classification: Uncertain significance for Hereditary cancer-predisposing syndrome. Last evaluated: 2023-11-17. Review status: criteria provided, single submitter. Criteria: Ambry Variant Classification Scheme 2023. Collection method: clinical testing. Allele origin: germline.
Comment: The p.K987E variant (also known as c.2959A>G), located in coding exon 9 of the BRCA1 gene, results from an A to G substitution at nucleotide position 2959. The lysine at codon 987 is replaced by glutamic acid, an amino acid with similar properties. This amino acid position is poorly conserved in available vertebrate species. In addition, the in silico prediction for this alteration is inconclusive. Since supporting evidence is limited at this time, the clinical significance of this alteration remains unclear.

University of Washington Department of Laboratory Medicine, University of Washington
Classification: Likely benign for Hereditary cancer-predisposing syndrome. Last evaluated: 2023-03-23. Review status: criteria provided, single submitter. Criteria: Dines et al. (Genet Med. 2020). Collection method: curation. Allele origin: germline.
Comment: Missense variant in a coldspot region where missense variants are very unlikely to be pathogenic (PMID:31911673).

BRCA1 coldspot (exon 11 using historical exon numbering). Reclassification based on statistical prior probability

Color Diagnostics, LLC DBA Color Health
Classification: Uncertain significance for Hereditary cancer-predisposing syndrome. Last evaluated: 2019-05-16. Review status: criteria provided, single submitter. Criteria: ACMG Guidelines, 2015. Collection method: clinical testing. Allele origin: germline.

Women's Health and Genetics/Laboratory Corporation of America, LabCorp
Classification: Uncertain significance. Last evaluated: 2018-08-20. Review status: criteria provided, single submitter. Criteria: LabCorp Variant Classification Summary - May 2015. Collection method: clinical testing. Allele origin: germline.
Comment: Variant summary: BRCA1 c.2959A>G (p.Lys987Glu) results in a conservative amino acid change in the encoded protein sequence. Five of five in-silico tools predict a benign effect of the variant on protein function. The variant was absent in 245952 control chromosomes. The available data on variant occurrences in the general population are insufficient to allow any conclusion about variant significance. To our knowledge, no occurrence of c.2959A>G in individuals affected with Hereditary Breast and Ovarian Cancer and no experimental evidence demonstrating its impact on protein function have been reported. Two clinical diagnostic laboratories have submitted clinical-significance assessments for this variant to ClinVar after 2014 and both classified the variant as uncertain significance. Based on the evidence outlined above, the variant was classified as uncertain significance.